The following is an entry in ClinVar:

ClinVar aggregate classification (germline): Likely benign (1 of 4 stars; one submission).

Submission:

CeGaT Center for Human Genetics Tuebingen
Classification: Likely benign. Last evaluated: 2022-08-01. Review status: criteria provided, single submitter. Criteria: CeGaT Center For Human Genetics Tuebingen Variant Classification Criteria Version 2. Collection method: clinical testing. Allele origin: germline. Affected: yes. Observed: 1 variant allele.
Comment: TRPV4: PM2:Supporting, BP4, BP7

NM_021625.5(TRPV4):c.2382C>T (p.Ile794=)

Gene: TRPV4 (transient receptor potential cation channel subfamily V member 4; minus strand). Cytogenetic location: 12q24.11.
Variant type: single nucleotide variant.
Coding change: c.2382C>T on transcript NM_021625.5 (MANE Select); coding-DNA position 2382, C replaced by T.
Protein change: p.Ile794=; no amino-acid change (isoleucine 794 retained).
Molecular consequence: synonymous variant.
Genome position (GRCh38, 1-based): chr12:109,784,392, G>A on the plus strand (C>T on the coding strand, the complement: TRPV4 is on the minus strand). VCF-style: chr12-109784392-G-A. GRCh37 (hg19) VCF-style: chr12-110222197-G-A.
Other names: c.2241C>T, p.Ile747= (NM_001177428.2); c.2280C>T, p.Ile760= (NM_001177431.2); c.2061C>T, p.Ile687= (NM_001177433.2); c.2202C>T, p.Ile734= (NM_147204.3).
Identifiers: ClinVar variation 2643283 (VCV002643283.24), dbSNP rs2548708810, ClinGen allele CA481724041.